The following is an entry in ClinVar:

NM_000051.4(ATM):c.8043G>A (p.Val2681=)

Genes: ATM (ATM serine/threonine kinase; plus strand), C11orf65 (chromosome 11 open reading frame 65; minus strand). Cytogenetic location: 11q22.3.
Variant type: single nucleotide variant.
Coding change: c.8043G>A on transcript NM_000051.4 (MANE Select); coding-DNA position 8043, G replaced by A.
Protein change: p.Val2681=; no amino-acid change (valine 2681 retained).
Molecular consequence: synonymous variant. On other transcripts: intron variant (2).
Genome position (GRCh38, 1-based): chr11:108,335,001, G>A. VCF-style: chr11-108335001-G-A. GRCh37 (hg19) VCF-style: chr11-108205728-G-A.
Other names: c.8043G>A, p.Val2681= (NM_001351834.2); c.641-25930C>T (NM_001330368.2); c.*38+219C>T (NM_001351110.2).
Identifiers: ClinVar variation 3253803 (VCV003253803.1), dbSNP rs1316646925.

ClinVar aggregate classification (germline): Benign (1 of 4 stars; one submission).

Conditions:
Familial cancer of breast. Also called: hereditary breast carcinoma; BREAST CANCER, FAMILIAL; Hereditary breast cancer. Identifiers: Orphanet 227535, MedGen C0346153, MONDO:0016419, OMIM 114480. Disease mechanism: loss of function.

Submission:

Myriad Genetics, Inc.
Classification: Benign for Familial cancer of breast. Last evaluated: 2024-06-18. Review status: criteria provided, single submitter. Criteria: Myriad Autosomal Dominant, Autosomal Recessive and X-Linked Classification Criteria (2023). Collection method: clinical testing. Allele origin: unknown.
Comment: This variant is considered benign. This variant is a silent/synonymous amino acid change and it is not expected to impact splicing.